The following is an entry in ClinVar:

ClinVar aggregate classification (germline): Uncertain significance (1 of 4 stars; one submission).

Allele frequency attached by ClinVar (database versions not stated): gnomAD exomes below 0.00001; TOPMed 0.00001; ExAC 0.00002.
gnomAD v4.1: 1 of 1,610,010 alleles (0.000062%); highest among the groups gnomAD compares: East Asian, 0.0022%; no homozygotes.

Submission:

Labcorp Genetics (formerly Invitae), Labcorp
Classification: Uncertain significance. Last evaluated: 2024-11-05. Review status: criteria provided, single submitter. Criteria: Invitae Variant Classification Sherloc (09022015). Collection method: clinical testing. Allele origin: germline.
Comment: This sequence change replaces proline, which is neutral and non-polar, with arginine, which is basic and polar, at codon 470 of the TNFRSF11A protein (p.Pro470Arg). This variant is present in population databases (rs772080424, gnomAD 0.01%). This missense change has been observed in individual(s) with clinical features of TNFRSF11A-related conditions (PMID: 35753512). ClinVar contains an entry for this variant (Variation ID: 2788534). An algorithm developed to predict the effect of missense changes on protein structure and function (PolyPhen-2) suggests that this variant is likely to be disruptive. In summary, the available evidence is currently insufficient to determine the role of this variant in disease. Therefore, it has been classified as a Variant of Uncertain Significance.

Literature cited by the submitters: PubMed 35753512.

NM_003839.4(TNFRSF11A):c.1409C>G (p.Pro470Arg)

Gene: TNFRSF11A (TNF receptor superfamily member 11a; plus strand). Cytogenetic location: 18q21.33.
Variant type: single nucleotide variant.
Coding change: c.1409C>G on transcript NM_003839.4 (MANE Select); coding-DNA position 1409, C replaced by G.
Protein change: p.Pro470Arg; replaces proline 470 with arginine.
Molecular consequence: missense variant. On other transcripts: intron variant (3).
Genome position (GRCh38, 1-based): chr18:62,369,326, C>G. VCF-style: chr18-62369326-C-G. GRCh37 (hg19) VCF-style: chr18-60036559-C-G.
Other names: c.1367C>G, p.Pro456Arg (NM_001278268.2); c.783+2566C>G (NM_001270949.2); c.730+7533C>G (NM_001270950.2); c.616+9277C>G (NM_001270951.2); short protein forms P470R, P456R.
Identifiers: ClinVar variation 2788534 (VCV002788534.3), dbSNP rs772080424, ClinGen allele CA8983962.